The following is an entry in ClinVar:

NM_006341.4(MAD2L2):c.278G>A (p.Arg93His)

Gene: MAD2L2 (mitotic arrest deficient 2 like 2; minus strand). Cytogenetic location: 1p36.22.
Variant type: single nucleotide variant.
Coding change: c.278G>A on transcript NM_006341.4 (MANE Select); coding-DNA position 278, G replaced by A.
Protein change: p.Arg93His; replaces arginine 93 with histidine.
Molecular consequence: missense variant.
Genome position (GRCh38, 1-based): chr1:11,676,902, C>T on the plus strand (G>A on the coding strand, the complement: MAD2L2 is on the minus strand). VCF-style: chr1-11676902-C-T. GRCh37 (hg19) VCF-style: chr1-11736959-C-T.
Other names: c.278G>A, p.Arg93His (NM_001127325.2); short protein forms R93H.
Identifiers: ClinVar variation 743486 (VCV000743486.11), dbSNP rs151024263, ClinGen allele CA593803.

ClinVar aggregate classification (germline): Likely benign. Review status: criteria provided, single submitter (1 of 4 stars). 2 submissions from 2 submitters: Likely benign (1). 1 of the submissions does not count toward it. Last evaluated 2026-01-07.

Conditions:
MAD2L2-related disorder. Also called: MAD2L2-related condition.

Allele frequency attached by ClinVar (database versions not stated): gnomAD exomes 0.00034; ExAC 0.00036; 1000 Genomes Project 0.00060; 1000 Genomes Project 30x 0.00062; gnomAD 0.00110 and 0.00118; TOPMed 0.00122; ESP Exome Variant Server 0.00138.
gnomAD v4.1: 591 of 1,614,122 alleles (0.037%); highest among the groups gnomAD compares: African/African-American, 0.32%; no homozygotes.

Submissions (2):

Labcorp Genetics (formerly Invitae), Labcorp
Classification: Likely benign. Last evaluated: 2026-01-07. Review status: criteria provided, single submitter. Criteria: Invitae Variant Classification Sherloc (09022015). Collection method: clinical testing. Allele origin: germline.

PreventionGenetics, part of Exact Sciences
Classification: Likely benign for MAD2L2-related condition. Last evaluated: 2020-08-13. Review status: no assertion criteria provided. Collection method: clinical testing. Allele origin: germline. Not counted in ClinVar's aggregate classification.
Comment: This variant is classified as likely benign based on ACMG/AMP sequence variant interpretation guidelines (Richards et al. 2015 PMID: 25741868, with internal and published modifications).